The following is an entry in ClinVar:

ClinVar aggregate classification (germline): Uncertain significance. Review status: criteria provided, multiple submitters, no conflicts (2 of 4 stars). 3 submissions from 3 submitters: Uncertain significance (3). Last evaluated 2024-11-17.

Conditions:
Congenital myasthenic syndrome 10. Also called: Myasthenia, limb-girdle, familial. Identifiers: Orphanet 590, MedGen C1850792, MONDO:0009690, OMIM 254300.

Allele frequency attached by ClinVar (database versions not stated): gnomAD exomes 0.00009 and 0.00003; 1000 Genomes Project 30x 0.00016; 1000 Genomes Project 0.00020; TOPMed 0.00043; gnomAD 0.00026 and 0.00029.
gnomAD v4.1: 86 of 1,535,646 alleles (0.0056%); highest among the groups gnomAD compares: African/African-American, 0.093%; no homozygotes.

Submissions (3):

GeneDx
Classification: Uncertain significance. Last evaluated: 2024-11-17. Review status: criteria provided, single submitter. Criteria: GeneDx Variant Classification Process June 2021. Collection method: clinical testing. Allele origin: germline. Affected: yes.
Comment: In silico analysis indicates that this missense variant does not alter protein structure/function; Reported using an alternate transcript of the gene; This variant is associated with the following publications: (PMID: Cho_Article_2020)

Department of Pathology and Laboratory Medicine, Sinai Health System
Classification: Uncertain significance for congenital myasthenic syndrome 10. Last evaluated: 2023-05-27. Review status: criteria provided, single submitter. Criteria: ACMG Guidelines, 2015. Collection method: research. Allele origin: germline.

CeGaT Center for Human Genetics Tuebingen
Classification: Uncertain significance. Last evaluated: 2022-02-01. Review status: criteria provided, single submitter. Criteria: CeGaT Center For Human Genetics Tuebingen Variant Classification Criteria Version 2. Collection method: clinical testing. Allele origin: germline. Affected: yes. Observed: 1 variant allele.

NM_001301071.2(DOK7):c.1502C>T (p.Ala501Val)

Gene: DOK7 (docking protein 7; plus strand). Cytogenetic location: 4p16.3.
Variant type: single nucleotide variant.
Coding change: c.1502C>T on transcript NM_001301071.2; coding-DNA position 1502, C replaced by T.
Protein change: p.Ala501Val; replaces alanine 501 with valine.
Molecular consequence: missense variant.
Genome position (GRCh38, 1-based): chr4:3,496,824, C>T. VCF-style: chr4-3496824-C-T. GRCh37 (hg19) VCF-style: chr4-3498551-C-T.
Other names: c.1070C>T, p.Ala357Val (NM_001363811.2); short protein forms A501V, A357V.
Identifiers: ClinVar variation 423388 (VCV000423388.35), dbSNP rs543548330, ClinGen allele CA16618043.